The following is an entry in ClinVar:

NM_004519.4(KCNQ3):c.*7464C>A

Gene: KCNQ3 (potassium voltage-gated channel subfamily Q member 3; minus strand). Cytogenetic location: 8q24.22.
Variant type: single nucleotide variant.
Coding change: c.*7464C>A on transcript NM_004519.4 (MANE Select); 7464 bases downstream of the stop codon, C replaced by A.
Molecular consequence: 3 prime UTR variant.
Genome position (GRCh38, 1-based): chr8:132,121,798, G>T on the plus strand (C>A on the coding strand, the complement: KCNQ3 is on the minus strand). VCF-style: chr8-132121798-G-T. GRCh37 (hg19) VCF-style: chr8-133134045-G-T.
Other names: c.*7464C>A (NM_001204824.2).
Identifiers: ClinVar variation 361752 (VCV000361752.7), dbSNP rs35604597, ClinGen allele CA10630091.

ClinVar aggregate classification (germline): Benign/Likely benign. Review status: criteria provided, multiple submitters, no conflicts (2 of 4 stars). 2 submissions from 2 submitters: Benign (1); Likely benign (1). Last evaluated 2018-01-13.

Conditions:
Seizures, benign familial neonatal, 2. Also called: CONVULSIONS, BENIGN FAMILIAL NEONATAL, 2; KCNQ3-Related Self-Limited Familial Neonatal Epilepsy (SLFNE); Benign Neonatal Epilepsy 2; KCNQ3-Related Benign Familial Neonatal Epilepsy; Seizures, benign neonatal, 2. Identifiers: Orphanet 1949, MedGen C1852581, MONDO:0007366, OMIM 121201.

Allele frequency attached by ClinVar (database versions not stated): TOPMed 0.01917; gnomAD 0.02469 and 0.02371; 1000 Genomes Project 0.01717; 1000 Genomes Project 30x 0.01718.

Submissions (2):

Illumina Laboratory Services, Illumina
Classification: Benign for Seizures, benign familial neonatal, 2. Last evaluated: 2018-01-13. Review status: criteria provided, single submitter. Criteria: ICSL Variant Classification Criteria 13 December 2019. Collection method: clinical testing. Allele origin: germline.
Comment: This variant was observed in the ICSL laboratory as part of a predisposition screen in an ostensibly healthy population. It had not been previously curated by ICSL or reported in the Human Gene Mutation Database (HGMD: prior to June 1st, 2018), and was therefore a candidate for classification through an automated scoring system. Utilizing variant allele frequency, disease prevalence and penetrance estimates, and inheritance mode, an automated score was calculated to assess if this variant is too frequent to cause the disease. Based on the score and internal cut-off values, a variant classified as benign is not then subjected to further curation. The score for this variant resulted in a classification of benign for this disease.

Breakthrough Genomics
Classification: Likely benign. Review status: criteria provided, single submitter. Criteria: ACMG Guidelines, 2015. Collection method: not provided. Allele origin: germline. Inheritance: Autosomal dominant inheritance. Affected: yes.